The following is an entry in ClinVar:

NM_145167.3(PIGM):c.294C>T (p.Leu98=)

Gene: PIGM (phosphatidylinositol glycan anchor biosynthesis class M; minus strand). Cytogenetic location: 1q23.2.
Variant type: single nucleotide variant.
Coding change: c.294C>T on transcript NM_145167.3 (MANE Select); coding-DNA position 294, C replaced by T.
Protein change: p.Leu98=; no amino-acid change (leucine 98 retained).
Molecular consequence: synonymous variant.
Genome position (GRCh38, 1-based): chr1:160,031,446, G>A on the plus strand (C>T on the coding strand, the complement: PIGM is on the minus strand). VCF-style: chr1-160031446-G-A. GRCh37 (hg19) VCF-style: chr1-160001236-G-A.
Identifiers: ClinVar variation 734772 (VCV000734772.12), dbSNP rs750695305, ClinGen allele CA1193073.

ClinVar aggregate classification (germline): Likely benign. Review status: criteria provided, single submitter (1 of 4 stars). 2 submissions from 2 submitters: Likely benign (1). 1 of the submissions does not count toward it. Last evaluated 2024-02-23.

Conditions:
PIGM-related disorder. Also called: PIGM-related condition.
Hypercoagulability syndrome due to glycosylphosphatidylinositol deficiency (GPIBD1). Also called: GLYCOSYLPHOSPHATIDYLINOSITOL BIOSYNTHESIS DEFECT 1. Identifiers: Orphanet 83639, MedGen C5201145, MONDO:0012465, OMIM 610293.

Allele frequency attached by ClinVar (database versions not stated): ExAC 0.00001; gnomAD exomes 0.00001.
gnomAD v4.1: 6 of 1,612,098 alleles (0.00037%); highest among the groups gnomAD compares: Admixed American, 0.01%; no homozygotes.

Submissions (2):

Labcorp Genetics (formerly Invitae), Labcorp
Classification: Likely benign for Hypercoagulability syndrome due to glycosylphosphatidylinositol deficiency. Last evaluated: 2024-02-23. Review status: criteria provided, single submitter. Criteria: Invitae Variant Classification Sherloc (09022015). Collection method: clinical testing. Allele origin: germline.

PreventionGenetics, part of Exact Sciences
Classification: Likely benign for PIGM-related condition. Last evaluated: 2019-09-26. Review status: no assertion criteria provided. Collection method: clinical testing. Allele origin: germline. Not counted in ClinVar's aggregate classification.
Comment: This variant is classified as likely benign based on ACMG/AMP sequence variant interpretation guidelines (Richards et al. 2015 PMID: 25741868, with internal and published modifications).